The following is an entry in ClinVar:

ClinVar aggregate classification (germline): Uncertain significance (1 of 4 stars; one submission).

Allele frequency attached by ClinVar (database versions not stated): gnomAD exomes below 0.00001.
gnomAD v4.1: 3 of 1,613,678 alleles (0.00019%); highest among the groups gnomAD compares: East Asian, 0.0045%; no homozygotes.

Submission:

Labcorp Genetics (formerly Invitae), Labcorp
Classification: Uncertain significance. Last evaluated: 2023-12-11. Review status: criteria provided, single submitter. Criteria: Invitae Variant Classification Sherloc (09022015). Collection method: clinical testing. Allele origin: germline.
Comment: This sequence change replaces alanine, which is neutral and non-polar, with valine, which is neutral and non-polar, at codon 458 of the TAOK2 protein (p.Ala458Val). The frequency data for this variant in the population databases is considered unreliable, as metrics indicate poor data quality at this position in the gnomAD database. This variant has not been reported in the literature in individuals affected with TAOK2-related conditions. An algorithm developed to predict the effect of missense changes on protein structure and function (PolyPhen-2) suggests that this variant is likely to be disruptive. In summary, the available evidence is currently insufficient to determine the role of this variant in disease. Therefore, it has been classified as a Variant of Uncertain Significance.

NM_016151.4(TAOK2):c.1373C>T (p.Ala458Val)

Gene: TAOK2 (TAO kinase 2; plus strand). Cytogenetic location: 16p11.2.
Variant type: single nucleotide variant.
Coding change: c.1373C>T on transcript NM_016151.4 (MANE Select); coding-DNA position 1373, C replaced by T.
Protein change: p.Ala458Val; replaces alanine 458 with valine.
Molecular consequence: missense variant.
Genome position (GRCh38, 1-based): chr16:29,983,615, C>T. VCF-style: chr16-29983615-C-T. GRCh37 (hg19) VCF-style: chr16-29994936-C-T.
Other names: c.1373C>T, p.Ala458Val (NM_001252043.2, NM_004783.4); short protein forms A458V.
Identifiers: ClinVar variation 2791195 (VCV002791195.3), dbSNP rs1209871229, ClinGen allele CA395481906.